The following is an entry in ClinVar:

NM_001270508.2(TNFAIP3):c.974T>C (p.Ile325Thr)

Gene: TNFAIP3 (TNF alpha induced protein 3; plus strand). Cytogenetic location: 6q23.3.
Variant type: single nucleotide variant.
Coding change: c.974T>C on transcript NM_001270508.2 (MANE Select); coding-DNA position 974, T replaced by C.
Protein change: p.Ile325Thr; replaces isoleucine 325 with threonine.
Molecular consequence: missense variant.
Genome position (GRCh38, 1-based): chr6:137,877,244, T>C. VCF-style: chr6-137877244-T-C. GRCh37 (hg19) VCF-style: chr6-138198381-T-C.
Other names: c.974T>C, p.Ile325Thr (NM_001270507.2, NM_006290.4); short protein forms I325T.
Identifiers: ClinVar variation 3619593 (VCV003619593.2).
Genomic context (GRCh38, chr6:137,877,244, plus strand): 5'-AGTACTTAATGGTGATAGAAATCCCCGTCCAAGGCTGGGACCATGGCACAACTCATCTCA[T>C]CAATGCCGCAAAGTAAGCAGTTTATGTTCAGCTCTCTCCTGTGTCATCTGTAACTGTCTT-3'
Protein context (NP_001257437.1, residues 315-335): QGWDHGTTHL[Ile325Thr]NAAKLDEANL

ClinVar aggregate classification (germline): Uncertain significance (1 of 4 stars; one submission).

gnomAD v4.1: 1 of 1,608,454 alleles (0.000062%); highest among the groups gnomAD compares: Admixed American, 0.0017%; no homozygotes.

Submission:

Labcorp Genetics (formerly Invitae), Labcorp
Classification: Uncertain significance. Last evaluated: 2025-04-11. Review status: criteria provided, single submitter. Criteria: Invitae Variant Classification Sherloc (09022015). Collection method: clinical testing. Allele origin: germline.
Comment: This sequence change replaces isoleucine, which is neutral and non-polar, with threonine, which is neutral and polar, at codon 325 of the TNFAIP3 protein (p.Ile325Thr). This variant is not present in population databases (gnomAD no frequency). This variant has not been reported in the literature in individuals affected with TNFAIP3-related conditions. ClinVar contains an entry for this variant (Variation ID: 3619593). Invitae Evidence Modeling of protein sequence and biophysical properties (such as structural, functional, and spatial information, amino acid conservation, physicochemical variation, residue mobility, and thermodynamic stability) has been performed for this missense variant. However, the output from this modeling did not meet the statistical confidence thresholds required to predict the impact of this variant on TNFAIP3 protein function. In summary, the available evidence is currently insufficient to determine the role of this variant in disease. Therefore, it has been classified as a Variant of Uncertain Significance.